The following is an entry in ClinVar:

NM_001172509.2(SATB2):c.1743_1745dup (p.Leu582dup)

Genes: SATB2 (SATB homeobox 2; minus strand), LOC126806462 (MED14-independent group 3 enhancer GRCh37_chr2:200136608-200137807; plus strand). Cytogenetic location: 2q33.1.
Variant type: Duplication.
Coding change: c.1743_1745dup on transcript NM_001172509.2 (MANE Select); coding-DNA positions 1743 to 1745, 3 bases duplicated (ACT; older notation c.1743_1745dupACT).
Protein change: p.Leu582dup; duplicates leucine 582.
Molecular consequence: inframe insertion.
Genome position (GRCh38, 1-based): chr2:199,272,668-199,272,670, AGT duplicated on the plus strand (ACT on the coding strand, the reverse complement: SATB2 is on the minus strand); duplicating any 3 consecutive bases within chr2:199,272,668-199,272,671 gives the same sequence; the c. name uses the placement nearest the transcript's 3' end. VCF-style (leftmost placement, unchanged base first): chr2-199272667-A-AAGT. GRCh37 (hg19) VCF-style: chr2-200137390-A-AAGT.
Other names: c.1743_1745dup, p.Leu582dup (NM_001172517.1, NM_015265.4).
Identifiers: ClinVar variation 1307290 (VCV001307290.4), dbSNP rs2105707621, ClinGen allele CA2573051827.
Genomic context (GRCh38, chr2:199,272,667, plus strand): 5'-GGGAGGCGCTTCTTCTCTGGGAGGGGAACTCTCCTTGGCTGGCTGAGACTGCTGTCTATG[A>AAGT]AGTACCTGATAATTAAGAGAGAAAAAAATGAACACTGGACTCATGATTTTACCTTTCCAA-3'

ClinVar aggregate classification (germline): Uncertain significance. Review status: criteria provided, multiple submitters, no conflicts (2 of 4 stars). 2 submissions from 2 submitters: Uncertain significance (2). Last evaluated 2025-03-31.

Conditions:
Chromosome 2q32-q33 deletion syndrome (GLASS). Also called: Glass syndrome; 2q33.1 deletion syndrome. Identifiers: Orphanet 251019, MedGen C2676739, MONDO:0012864, OMIM 612313.

Submissions (2):

Labcorp Genetics (formerly Invitae), Labcorp
Classification: Uncertain significance for Chromosome 2q32-q33 deletion syndrome. Last evaluated: 2025-03-31. Review status: criteria provided, single submitter. Criteria: Invitae Variant Classification Sherloc (09022015). Collection method: clinical testing. Allele origin: germline.
Comment: This variant, c.1743_1745dup, results in the insertion of 1 amino acid(s) of the SATB2 protein (p.Leu582dup), but otherwise preserves the integrity of the reading frame. This variant is not present in population databases (gnomAD no frequency). This variant has not been reported in the literature in individuals affected with SATB2-related conditions. ClinVar contains an entry for this variant (Variation ID: 1307290). In summary, the available evidence is currently insufficient to determine the role of this variant in disease. Therefore, it has been classified as a Variant of Uncertain Significance.

GeneDx
Classification: Uncertain significance. Last evaluated: 2020-01-28. Review status: criteria provided, single submitter. Criteria: GeneDx Variant Classification Process June 2021. Collection method: clinical testing. Allele origin: germline. Affected: yes.
Comment: Not observed in large population cohorts (Lek et al., 2016); In-frame insertion of 1 amino acid in a non-repeat region; Has not been previously published as pathogenic or benign to our knowledge